The following is an entry in ClinVar:

ClinVar aggregate classification (germline): Uncertain significance. Review status: criteria provided, multiple submitters, no conflicts (2 of 4 stars). 6 submissions from 6 submitters: Uncertain significance (5). 1 of the submissions does not count toward it. Last evaluated 2025-12-21.

Conditions:
Hereditary cancer-predisposing syndrome. Also called: Tumor predisposition; Hereditary Cancer Syndrome; Neoplastic Syndromes, Hereditary; Hereditary neoplastic syndrome. Identifiers: Orphanet 140162, MedGen C0027672, MeSH D009386, MONDO:0015356.
Familial cancer of breast. Also called: BREAST CANCER, FAMILIAL; Hereditary breast cancer; hereditary breast carcinoma. Identifiers: Orphanet 227535, MedGen C0346153, MONDO:0016419, OMIM 114480. Disease mechanism: loss of function.
Ataxia-telangiectasia syndrome (AT). Also called: LOUIS-BAR SYNDROME; Cerebello-oculocutaneous telangiectasia; Immunodeficiency with ataxia telangiectasia; ATAXIA-TELANGIECTASIA, COMPLEMENTATION GROUP A; ATAXIA-TELANGIECTASIA, FRESNO VARIANT; Ataxia-telangiectasia. Identifiers: Orphanet 100, MedGen C0004135, MONDO:0008840, OMIM 208900.

Allele frequency attached by ClinVar (database versions not stated): TOPMed below 0.00001; gnomAD 0.00001.
gnomAD v4.1: 1 of 1,613,272 alleles (0.000062%); highest among the groups gnomAD compares: African/African-American, 0.0013%; no homozygotes.

Submissions (6):

Labcorp Genetics (formerly Invitae), Labcorp
Classification: Uncertain significance for Ataxia-telangiectasia syndrome. Last evaluated: 2025-12-21. Review status: criteria provided, single submitter. Criteria: Invitae Variant Classification Sherloc (09022015). Collection method: clinical testing. Allele origin: germline.
Comment: This sequence change replaces leucine, which is neutral and non-polar, with phenylalanine, which is neutral and non-polar, at codon 995 of the ATM protein (p.Leu995Phe). This variant is not present in population databases (gnomAD no frequency). This variant has not been reported in the literature in individuals affected with ATM-related conditions. ClinVar contains an entry for this variant (Variation ID: 127365). Invitae Evidence Modeling of protein sequence and biophysical properties (such as structural, functional, and spatial information, amino acid conservation, physicochemical variation, residue mobility, and thermodynamic stability) indicates that this missense variant is not expected to disrupt ATM protein function with a negative predictive value of 95%. RNA analysis performed to evaluate the impact of this missense change on mRNA splicing indicates it does not significantly alter splicing (internal data). In summary, the available evidence is currently insufficient to determine the role of this variant in disease. Therefore, it has been classified as a Variant of Uncertain Significance.

Quest Diagnostics Nichols Institute San Juan Capistrano
Classification: Uncertain significance. Last evaluated: 2025-04-04. Review status: criteria provided, single submitter. Criteria: Quest Diagnostics criteria. Collection method: clinical testing. Allele origin: unknown.

Ambry Genetics
Classification: Uncertain significance for Hereditary cancer-predisposing syndrome. Last evaluated: 2024-01-03. Review status: criteria provided, single submitter. Criteria: Ambry Variant Classification Scheme 2023. Collection method: clinical testing. Allele origin: germline.
Comment: The p.L995F variant (also known as c.2983C>T), located in coding exon 19 of the ATM gene, results from a C to T substitution at nucleotide position 2983. The leucine at codon 995 is replaced by phenylalanine, an amino acid with highly similar properties. This amino acid position is well conserved in available vertebrate species. In addition, the in silico prediction for this alteration is inconclusive. Since supporting evidence is limited at this time, the clinical significance of this alteration remains unclear.

Baylor Genetics
Classification: Uncertain significance for Familial cancer of breast. Last evaluated: 2023-06-21. Review status: criteria provided, single submitter. Criteria: ACMG Guidelines, 2015. Collection method: clinical testing. Allele origin: unknown.

GeneDx
Classification: Uncertain significance. Last evaluated: 2013-10-22. Review status: criteria provided, single submitter. Criteria: GeneDx Variant Classification (06012015). Collection method: clinical testing. Allele origin: germline. Affected: yes.
Comment: This variant is denoted ATM c.2983C>T at the cDNA level, p.Leu995Phe (L995F) at the protein level, and results in the change of a Leucine to a Phenylalanine (CTT>TTT) in exon 20. This variant has not, to our knowledge, been published in the literature as either a mutation or a benign polymorphism. Furthremore, ATM Leu995Phe was not observed in approximately 6,500 individuals of European and African American ancestry in the NHLBI Exome Variant Server, indicating it is not a common benign variant in these populations. This variant is a conservative substitution of one neutral non-polar amino acid for another, altering a position that is well conserved throughout evolution but is not located in a known functional domain. In silico analyses are inconsistent with regard to the effect this variant may have on protein structure and function. Based on the currently available information, we cannot assess whether Leu995Phe is a pathogenic mutation or a benign variant. This variant has been seen apparently mosaic. The variant is found in BR-OV-HEREDIC panel(s).

Natera, Inc.
Classification: Uncertain significance for Ataxia-telangiectasia. Last evaluated: 2020-12-21. Review status: no assertion criteria provided. Collection method: clinical testing. Allele origin: germline. Not counted in ClinVar's aggregate classification.

NM_000051.4(ATM):c.2983C>T (p.Leu995Phe)

Gene: ATM (ATM serine/threonine kinase; plus strand). Cytogenetic location: 11q22.3.
Variant type: single nucleotide variant.
Coding change: c.2983C>T on transcript NM_000051.4 (MANE Select); coding-DNA position 2983, C replaced by T.
Protein change: p.Leu995Phe; replaces leucine 995 with phenylalanine.
Molecular consequence: missense variant.
Genome position (GRCh38, 1-based): chr11:108,271,312, C>T. VCF-style: chr11-108271312-C-T. GRCh37 (hg19) VCF-style: chr11-108142039-C-T.
Other names: p.L995F:CTT>TTT; c.2983C>T, p.Leu995Phe (NM_001351834.2); short protein forms L995F.
Identifiers: ClinVar variation 127365 (VCV000127365.21), dbSNP rs587779831, ClinGen allele CA286797.
Genomic context (GRCh38, chr11:108,271,312, plus strand): 5'-AATGTGTGTTCTTTGTATCGTCGTGACCAAGATGTTTGTAAAACTATTTTAAACCATGTC[C>T]TTCATGTAGTGAAAAACCTAGGTCAAAGCAATATGGACTCTGAGAACACAAGGGATGCTC-3'
Protein context (NP_000042.3, residues 985-1005): DVCKTILNHV[Leu995Phe]HVVKNLGQSN